The following is an entry in ClinVar:

NM_004727.3(SLC24A1):c.1391A>G (p.Tyr464Cys)

Gene: SLC24A1 (solute carrier family 24 member 1; plus strand). Cytogenetic location: 15q22.31.
Variant type: single nucleotide variant.
Coding change: c.1391A>G on transcript NM_004727.3 (MANE Select); coding-DNA position 1391, A replaced by G.
Protein change: p.Tyr464Cys; replaces tyrosine 464 with cysteine.
Molecular consequence: missense variant.
Genome position (GRCh38, 1-based): chr15:65,625,471, A>G. VCF-style: chr15-65625471-A-G. GRCh37 (hg19) VCF-style: chr15-65917809-A-G.
Other names: c.1391A>G, p.Tyr464Cys (NM_001301031.1, NM_001301032.1, NM_001301033.2); short protein forms Y464C.
Identifiers: ClinVar variation 1499514 (VCV001499514.7), dbSNP rs771003371, ClinGen allele CA7619895.
Genomic context (GRCh38, chr15:65,625,471, plus strand): 5'-TGTTCAGTGTGGAGGAGCGGCGGCAGGGCTGGGTGGTCCTGCACGTTTTTGGCATGATGT[A>G]TGTGTTTGTGGCCTTGGCCATTGTTTGCGACGAGTACTTCGTTCCAGCCCTGGGTGTCAT-3'
Protein context (NP_004718.1, residues 454-474): WVVLHVFGMM[Tyr464Cys]VFVALAIVCD

ClinVar aggregate classification (germline): Uncertain significance. Review status: criteria provided, multiple submitters, no conflicts (2 of 4 stars). 2 submissions from 2 submitters: Uncertain significance (2). Last evaluated 2021-06-22.

Allele frequency attached by ClinVar (database versions not stated): gnomAD exomes 0.00001; gnomAD 0.00001; TOPMed below 0.00001; ExAC 0.00001.
gnomAD v4.1: 10 of 1,613,766 alleles (0.00062%); highest among the groups gnomAD compares: Middle Eastern, 0.066%; no homozygotes.

Submissions (2):

Labcorp Genetics (formerly Invitae), Labcorp
Classification: Uncertain significance. Last evaluated: 2021-06-22. Review status: criteria provided, single submitter. Criteria: Invitae Variant Classification Sherloc (09022015). Collection method: clinical testing. Allele origin: germline.
Comment: This variant has not been reported in the literature in individuals affected with SLC24A1-related conditions. In summary, the available evidence is currently insufficient to determine the role of this variant in disease. Therefore, it has been classified as a Variant of Uncertain Significance. Algorithms developed to predict the effect of missense changes on protein structure and function (SIFT, PolyPhen-2, Align-GVGD) all suggest that this variant is likely to be disruptive. This variant is present in population databases (rs771003371, ExAC 0.009%). This sequence change replaces tyrosine with cysteine at codon 464 of the SLC24A1 protein (p.Tyr464Cys). The tyrosine residue is highly conserved and there is a large physicochemical difference between tyrosine and cysteine.

Breakthrough Genomics
Classification: Uncertain significance. Review status: criteria provided, single submitter. Criteria: ACMG Guidelines, 2015. Collection method: not provided. Allele origin: germline. Inheritance: Autosomal recessive inheritance. Affected: yes.